The following is an entry in ClinVar:

ClinVar aggregate classification (germline): Uncertain significance (1 of 4 stars; one submission).

Conditions:
Inborn genetic diseases. Identifiers: MedGen C0950123, MeSH D030342.

Submission:

Ambry Genetics
Classification: Uncertain significance for Inborn genetic diseases. Last evaluated: 2026-06-15. Review status: criteria provided, single submitter. Criteria: Ambry Variant Classification Scheme 2023. Collection method: clinical testing. Allele origin: germline.
Comment: The c.2452A>G (p.T818A) alteration is located in exon 16 (coding exon 13) of the WDFY3 gene. This alteration results from a A to G substitution at nucleotide position 2452, causing the threonine (T) at amino acid position 818 to be replaced by an alanine (A). This variant was not reported in population-based cohorts in the Genome Aggregation Database (gnomAD). The amino acid and nucleotide positions are well conserved in available vertebrate species. This amino acid alteration is predicted to be tolerated by in silico analysis. In silico splice site analysis predicts that this nucleotide alteration will result in the creation or strengthening of a novel splice acceptor site. Based on insufficient or conflicting evidence, the clinical significance of this alteration remains unclear.

NM_014991.6(WDFY3):c.2452A>G (p.Thr818Ala)

Genes: WDFY3 (WD repeat and FYVE domain containing 3; minus strand), WDFY3-AS1 (WDFY3 antisense RNA 1; plus strand). Cytogenetic location: 4q21.23.
Variant type: single nucleotide variant.
Coding change: c.2452A>G on transcript NM_014991.6 (MANE Select); coding-DNA position 2452, A replaced by G.
Protein change: p.Thr818Ala; replaces threonine 818 with alanine.
Molecular consequence: missense variant.
Genome position (GRCh38, 1-based): chr4:84,803,445, T>C on the plus strand (A>G on the coding strand, the complement: WDFY3 is on the minus strand). VCF-style: chr4-84803445-T-C. GRCh37 (hg19) VCF-style: chr4-85724598-T-C.
Other names: short protein forms T818A.
Identifiers: ClinVar variation 5031748 (VCV005031748.1).
Genomic context (GRCh38, chr4:84,803,445, plus strand): 5'-ATGAAGTTGTCACATGTAGTTTCAGGTCGGCAACATTTTTAGGAGGGTAAACAGGGGGAG[T>C]TGAAACAGAATGATATGCATGCCTATAAAAAAAGAAAGAGTAAATTTGGTATTGAATTCC-3'
Protein context (NP_055806.2, residues 808-828): RKRHAYHSVS[Thr818Ala]PPVYPPKNVA